The following is an entry in ClinVar:

ClinVar aggregate classification (germline): Uncertain significance (1 of 4 stars; one submission).

Conditions:
Familial melanoma. Also called: Hereditary melanoma; Hereditary cutaneous melanoma. Identifiers: Orphanet 618, MedGen C1512419, MONDO:0018961.

Submission:

Labcorp Genetics (formerly Invitae), Labcorp
Classification: Uncertain significance for Familial melanoma. Last evaluated: 2024-04-10. Review status: criteria provided, single submitter. Criteria: Invitae Variant Classification Sherloc (09022015). Collection method: clinical testing. Allele origin: germline.
Comment: This sequence change replaces glycine, which is neutral and non-polar, with alanine, which is neutral and non-polar, at codon 101 of the CDKN2A (p16INK4a) protein (p.Gly101Ala). This variant is not present in population databases (gnomAD no frequency). This variant has not been reported in the literature in individuals affected with CDKN2A (p16INK4a)-related conditions. ClinVar contains an entry for this variant (Variation ID: 1129005). An algorithm developed to predict the effect of missense changes on protein structure and function (PolyPhen-2) suggests that this variant is likely to be disruptive. Experimental studies have shown that this missense change does not substantially affect CDKN2A (p16INK4a) function (PMID: 21462282). This variant disrupts the p.Gly101 amino acid residue in CDKN2A (p16INK4a). Other variant(s) that disrupt this residue have been determined to be pathogenic (PMID: 10869234, 11807902, 14679123, 15146471, 21462282, 21801156). This suggests that this residue is clinically significant, and that variants that disrupt this residue are likely to be disease-causing. In summary, the available evidence is currently insufficient to determine the role of this variant in disease. Therefore, it has been classified as a Variant of Uncertain Significance.

Literature cited by the submitters: PubMed 21462282; PubMed 10869234; PubMed 11807902; PubMed 14679123; PubMed 15146471; PubMed 21801156.

NM_000077.5(CDKN2A):c.302G>C (p.Gly101Ala)

Gene: CDKN2A (cyclin dependent kinase inhibitor 2A; minus strand). Cytogenetic location: 9p21.3.
Variant type: single nucleotide variant.
Coding change: c.302G>C on transcript NM_000077.5; coding-DNA position 302, G replaced by C.
Protein change: p.Gly101Ala; replaces glycine 101 with alanine.
Molecular consequence: missense variant (on NM_000077.6). On other transcripts: synonymous variant (1), 3 prime UTR variant (1).
Genome position (GRCh38, 1-based): chr9:21,971,057, C>G on the plus strand (G>C on the coding strand, the complement: CDKN2A is on the minus strand). VCF-style: chr9-21971057-C-G. GRCh37 (hg19) VCF-style: chr9-21971056-C-G.
Other names: c.302G>C, p.Gly101Ala (NM_000077.6, NM_001195132.2); c.149G>C, p.Gly50Ala (NM_001363763.2); c.345G>C, p.Arg115= (NM_058195.4); c.*225G>C (NM_058197.5); short protein forms G101A, G50A.
Identifiers: ClinVar variation 1129005 (VCV001129005.9), dbSNP rs750414596, ClinGen allele CA373086107.